The following is an entry in ClinVar:

ClinVar aggregate classification (germline): Uncertain significance (1 of 4 stars; one submission).

Conditions:
Ullrich congenital muscular dystrophy 2 (UCMD2). Identifiers: Orphanet 75840, MedGen C4225314, MONDO:0014654, OMIM 616470.
Bethlem myopathy 2 (BTHLM2). Identifiers: Orphanet 536516, Orphanet 610, MedGen C4225313, MONDO:0034022, OMIM 616471.

Submission:

Labcorp Genetics (formerly Invitae), Labcorp
Classification: Uncertain significance for Bethlem myopathy 2; Ullrich congenital muscular dystrophy 2. Last evaluated: 2024-04-06. Review status: criteria provided, single submitter. Criteria: Invitae Variant Classification Sherloc (09022015). Collection method: clinical testing. Allele origin: germline.
Comment: This sequence change replaces methionine, which is neutral and non-polar, with arginine, which is basic and polar, at codon 1698 of the COL12A1 protein (p.Met1698Arg). This variant is not present in population databases (gnomAD no frequency). This variant has not been reported in the literature in individuals affected with COL12A1-related conditions. Advanced modeling of protein sequence and biophysical properties (such as structural, functional, and spatial information, amino acid conservation, physicochemical variation, residue mobility, and thermodynamic stability) performed at Invitae indicates that this missense variant is not expected to disrupt COL12A1 protein function with a negative predictive value of 80%. Algorithms developed to predict the effect of sequence changes on RNA splicing suggest that this variant may disrupt the consensus splice site. In summary, the available evidence is currently insufficient to determine the role of this variant in disease. Therefore, it has been classified as a Variant of Uncertain Significance.

NM_004370.6(COL12A1):c.5093T>G (p.Met1698Arg)

Gene: COL12A1 (collagen type XII alpha 1 chain; minus strand). Cytogenetic location: 6q13.
Variant type: single nucleotide variant.
Coding change: c.5093T>G on transcript NM_004370.6 (MANE Select); coding-DNA position 5093, T replaced by G.
Protein change: p.Met1698Arg; replaces methionine 1698 with arginine.
Molecular consequence: missense variant.
Genome position (GRCh38, 1-based): chr6:75,138,826, A>C on the plus strand (T>G on the coding strand, the complement: COL12A1 is on the minus strand). VCF-style: chr6-75138826-A-C. GRCh37 (hg19) VCF-style: chr6-75848542-A-C.
Other names: c.5093T>G, p.Met1698Arg (NM_001424113.1, NM_001424114.1); c.4820T>G, p.Met1607Arg (NM_001424115.1); c.1601T>G, p.Met534Arg (NM_001424116.1, NM_080645.3); short protein forms M1607R, M1698R, M534R.
Identifiers: ClinVar variation 3755729 (VCV003755729.2).
Genomic context (GRCh38, chr6:75,138,826, plus strand): 5'-CCTACAAATTAAATGGGACATGAAAGACAGAGAGAAAGATAAAGAGAGTTAACTACCTCC[A>C]TCTTATCTGAGCTTCCAAAAGGTGCCCAAGTTATTCTGTAGAGAGACACATCTGAAGCTC-3'
Protein context (NP_004361.3, residues 1688-1708): TWAPFGSSDK[Met1698Arg]ETILNGDENT